The following is an entry in ClinVar:

NM_006005.3(WFS1):c.1583A>T (p.Tyr528Phe)

Gene: WFS1 (wolframin ER transmembrane glycoprotein; plus strand). Cytogenetic location: 4p16.1.
Variant type: single nucleotide variant.
Coding change: c.1583A>T on transcript NM_006005.3 (MANE Select); coding-DNA position 1583, A replaced by T.
Protein change: p.Tyr528Phe; replaces tyrosine 528 with phenylalanine.
Molecular consequence: missense variant.
Genome position (GRCh38, 1-based): chr4:6,301,378, A>T. VCF-style: chr4-6301378-A-T. GRCh37 (hg19) VCF-style: chr4-6303105-A-T.
Other names: c.1583A>T, p.Tyr528Phe (NM_001145853.1); short protein forms Y528F.
Identifiers: ClinVar variation 3631474 (VCV003631474.2).
Genomic context (GRCh38, chr4:6,301,378, plus strand): 5'-ATGTCTACCTGCTCTATCTCTTCTTCCGCATGGCACAGCTGAGGAATTTCAAGGGCACCT[A>T]CTGCTACCTTGTGCCCTACCTGGTGTGCTTCATGTGGTGTGAGCTCTCCGTGGTCATCCT-3'
Protein context (NP_005996.2, residues 518-538): MAQLRNFKGT[Tyr528Phe]CYLVPYLVCF

ClinVar aggregate classification (germline): Uncertain significance (1 of 4 stars; one submission).

Submission:

Labcorp Genetics (formerly Invitae), Labcorp
Classification: Uncertain significance. Last evaluated: 2024-09-14. Review status: criteria provided, single submitter. Criteria: Invitae Variant Classification Sherloc (09022015). Collection method: clinical testing. Allele origin: germline.
Comment: This sequence change replaces tyrosine, which is neutral and polar, with phenylalanine, which is neutral and non-polar, at codon 528 of the WFS1 protein (p.Tyr528Phe). This variant is not present in population databases (gnomAD no frequency). This variant has not been reported in the literature in individuals affected with WFS1-related conditions. Invitae Evidence Modeling of protein sequence and biophysical properties (such as structural, functional, and spatial information, amino acid conservation, physicochemical variation, residue mobility, and thermodynamic stability) has been performed for this missense variant. However, the output from this modeling did not meet the statistical confidence thresholds required to predict the impact of this variant on WFS1 protein function. In summary, the available evidence is currently insufficient to determine the role of this variant in disease. Therefore, it has been classified as a Variant of Uncertain Significance.